The following is an entry in ClinVar:

ClinVar aggregate classification (germline): Uncertain significance (1 of 4 stars; one submission).

Allele frequency attached by ClinVar (database versions not stated): gnomAD exomes below 0.00001; TOPMed below 0.00001; ExAC 0.00001; gnomAD 0.00001.
gnomAD v4.1: 5 of 1,608,886 alleles (0.00031%); highest among the groups gnomAD compares: Non-Finnish European, 0.00043%; no homozygotes.

Submission:

Labcorp Genetics (formerly Invitae), Labcorp
Classification: Uncertain significance. Last evaluated: 2023-06-09. Review status: criteria provided, single submitter. Criteria: Invitae Variant Classification Sherloc (09022015). Collection method: clinical testing. Allele origin: germline.
Comment: In summary, the available evidence is currently insufficient to determine the role of this variant in disease. Therefore, it has been classified as a Variant of Uncertain Significance. An algorithm developed to predict the effect of missense changes on protein structure and function (PolyPhen-2) suggests that this variant is likely to be disruptive. This variant has not been reported in the literature in individuals affected with SORL1-related conditions. This variant is present in population databases (rs761691535, gnomAD 0.002%). This sequence change replaces serine, which is neutral and polar, with glycine, which is neutral and non-polar, at codon 133 of the SORL1 protein (p.Ser133Gly).

NM_003105.6(SORL1):c.397A>G (p.Ser133Gly)

Gene: SORL1 (sortilin related receptor 1; plus strand). Cytogenetic location: 11q24.1.
Variant type: single nucleotide variant.
Coding change: c.397A>G on transcript NM_003105.6 (MANE Select); coding-DNA position 397, A replaced by G.
Protein change: p.Ser133Gly; replaces serine 133 with glycine.
Molecular consequence: missense variant.
Genome position (GRCh38, 1-based): chr11:121,470,118, A>G. VCF-style: chr11-121470118-A-G. GRCh37 (hg19) VCF-style: chr11-121340827-A-G.
Other names: short protein forms S133G.
Identifiers: ClinVar variation 2998199 (VCV002998199.3), dbSNP rs761691535, ClinGen allele CA6328351.